The following is an entry in ClinVar:

NM_003718.5(CDK13):c.838_839delinsTC (p.Arg280Ser)

Gene: CDK13 (cyclin dependent kinase 13; plus strand). Cytogenetic location: 7p14.1.
Variant type: Indel.
Coding change: c.838_839delinsTC on transcript NM_003718.5 (MANE Select); coding-DNA positions 838 to 839, CG replaced by TC.
Protein change: p.Arg280Ser; replaces arginine 280 with serine.
Molecular consequence: missense variant.
Genome position (GRCh38, 1-based): chr7:39,951,479-39,951,480, CG replaced by TC. VCF-style: chr7-39951479-CG-TC. GRCh37 (hg19) VCF-style: chr7-39991078-CG-TC.
Other names: c.838_839delCGinsTC, p.Arg280Ser (NM_031267.4); short protein forms R280S.
Identifiers: ClinVar variation 4748163 (VCV004748163.1).

ClinVar aggregate classification (germline): Uncertain significance (1 of 4 stars; one submission).

Submission:

Labcorp Genetics (formerly Invitae), Labcorp
Classification: Uncertain significance. Last evaluated: 2025-02-16. Review status: criteria provided, single submitter. Criteria: Invitae Variant Classification Sherloc (09022015). Collection method: clinical testing. Allele origin: germline.
Comment: This sequence change replaces arginine, which is basic and polar, with serine, which is neutral and polar, at codon 280 of the CDK13 protein (p.Arg280Ser). Information on the frequency of this variant in the gnomAD database is not available, as this variant may be reported differently in the database. This variant has not been reported in the literature in individuals affected with CDK13-related conditions. Experimental studies and prediction algorithms are not available or were not evaluated, and the functional significance of this variant is currently unknown. In summary, the available evidence is currently insufficient to determine the role of this variant in disease. Therefore, it has been classified as a Variant of Uncertain Significance.